The following is an entry in ClinVar:

NM_201384.3(PLEC):c.6279_6287del (p.2091EEA[1])

Gene: PLEC (plectin; minus strand). Cytogenetic location: 8q24.3.
Variant type: Deletion.
Coding change: c.6279_6287del on transcript NM_201384.3 (MANE Select); coding-DNA positions 6279 to 6287, 9 bases deleted (GGAGGAGGC; older notation c.6279_6287delGGAGGAGGC).
Protein change: p.2091EEA[1].
Molecular consequence: inframe deletion.
Genome position (GRCh38, 1-based): chr8:143,923,642-143,923,650, GCCTCCTCC deleted on the plus strand (GGAGGAGGC on the coding strand, the reverse complement: PLEC is on the minus strand); deleting any 9 consecutive bases within chr8:143,923,642-143,923,658 gives the same sequence; the c. name uses the placement nearest the transcript's 3' end. VCF-style (leftmost placement, unchanged base first): chr8-143923641-GGCCTCCTCC-G. GRCh37 (hg19) VCF-style: chr8-144997809-GGCCTCCTCC-G.
Other names: c.6360_6368del, p.2118EEA[1] (NM_000445.5); c.6237_6245del, p.2077EEA[1] (NM_201378.4); c.6213_6221del, p.2069EEA[1] (NM_201379.3); c.6690_6698del, p.2228EEA[1] (NM_201380.4); c.6183_6191del, p.2059EEA[1] (NM_201381.3); c.6279_6287del, p.2091EEA[1] (NM_201382.4); c.6291_6299del, p.2095EEA[1] (NM_201383.3).
Identifiers: ClinVar variation 938411 (VCV000938411.7), dbSNP rs1181070187, ClinGen allele CA586158275.
Genomic context (GRCh38, chr8:143,923,641, plus strand): 5'-CCGCTCGGCCTCTTCCACCTGCCGCCGGGACTGCGCCGCCTCACGCTCCGCCTGCACCCG[GGCCTCCTCC>G]GCCTCCTCAGCCGCCCGCCGGGCCGCCTCCGCCTCGCCGCGCAGCTGGTCCAGCACGCTC-3'

ClinVar aggregate classification (germline): Uncertain significance (1 of 4 stars; one submission).

Conditions:
Epidermolysis bullosa simplex 5B, with muscular dystrophy (EBS5B). Also called: EPIDERMOLYSIS BULLOSA SIMPLEX AND LIMB-GIRDLE MUSCULAR DYSTROPHY; Epidermolysis bullosa simplex with muscular dystrophy. Identifiers: Orphanet 257, MedGen C2931072, MONDO:0009181, OMIM 226670.
Epidermolysis bullosa simplex, Ogna type (EBS5A). Also called: Pidermolysis bullosa simplex 5A, Ogna type; EPIDERMOLYSIS BULLOSA SIMPLEX 5A, OGNA TYPE. Identifiers: Orphanet 79401, MedGen C0432317, MONDO:0007555, OMIM 131950.
Epidermolysis bullosa simplex 5C, with pyloric atresia (EBS5C). Also called: Epidermolysis bullosa simplex with pyloric atresia; PLEC-Related Epidermolysis Bullosa with Pyloric Atresia; PLEC1-Related Epidermolysis Bullosa with Pyloric Atresia. Identifiers: Orphanet 158684, MedGen C2677349, MONDO:0012807, OMIM 612138.
Epidermolysis bullosa simplex with nail dystrophy (EBS5D). Identifiers: MedGen C4225309, MONDO:0014661, OMIM 616487.
Autosomal recessive limb-girdle muscular dystrophy type 2Q (LGMDR17). Also called: MUSCULAR DYSTROPHY, LIMB-GIRDLE, AUTOSOMAL RECESSIVE 17. Identifiers: Orphanet 254361, MedGen C3150989, MONDO:0013390, OMIM 613723.

Submission:

Labcorp Genetics (formerly Invitae), Labcorp
Classification: Uncertain significance for Autosomal recessive limb-girdle muscular dystrophy type 2Q; Epidermolysis bullosa simplex, Ogna type; Epidermolysis bullosa simplex with nail dystrophy; Epidermolysis bullosa simplex 5C, with pyloric atresia; Epidermolysis bullosa simplex 5B, with muscular dystrophy. Last evaluated: 2019-08-06. Review status: criteria provided, single submitter. Criteria: Invitae Variant Classification Sherloc (09022015). Collection method: clinical testing. Allele origin: germline.
Comment: In summary, the available evidence is currently insufficient to determine the role of this variant in disease. Therefore, it has been classified as a Variant of Uncertain Significance. Experimental studies and prediction algorithms are not available or were not evaluated for this variant, and the functional significance of the affected amino acid(s) is currently unknown. This variant has not been reported in the literature in individuals with PLEC-related conditions. This variant is not present in population databases (ExAC no frequency). This variant, c.6360_6368del, results in the deletion of 3 amino acid(s) of the PLEC protein (p.Glu2121_Ala2123del), but otherwise preserves the integrity of the reading frame.